The following is an entry in ClinVar:

ClinVar aggregate classification (germline): Uncertain significance. Review status: criteria provided, multiple submitters, no conflicts (2 of 4 stars). 6 submissions from 6 submitters: Uncertain significance (5). 1 of the submissions does not count toward it. Last evaluated 2025-01-14.

Conditions:
Cardiovascular phenotype. Identifiers: MedGen CN230736.
Cardiac arrhythmia. Also called: Arrhythmia; Cardiac rhythm disease. Identifiers: MedGen C0003811, MONDO:0007263, HP:0011675.
Familial long QT syndrome (RWS). Also called: Congenital long QT syndrome; Romano-Ward syndrome; VENTRICULAR FIBRILLATION WITH PROLONGED QT INTERVAL. Identifiers: Orphanet 768, MedGen C1141890, MONDO:0019171.
Long QT syndrome (LQTS). Identifiers: MedGen C0023976, MeSH D008133, MONDO:0002442. Disease mechanism: loss of function. Inheritance: Various modes of inheritance.

Allele frequency attached by ClinVar (database versions not stated): gnomAD exomes below 0.00001; TOPMed below 0.00001; ExAC 0.00001.
gnomAD v4.1: 5 of 1,614,002 alleles (0.00031%); highest among the groups gnomAD compares: East Asian, 0.0022%; no homozygotes.

Submissions (6):

Ambry Genetics
Classification: Uncertain significance for Cardiovascular phenotype. Last evaluated: 2025-01-14. Review status: criteria provided, single submitter. Criteria: Ambry Variant Classification Scheme 2023. Collection method: clinical testing. Allele origin: germline.

All of Us Research Program, National Institutes of Health
Classification: Uncertain significance for Long QT syndrome. Last evaluated: 2024-03-05. Review status: criteria provided, single submitter. Criteria: ACMG Guidelines, 2015. Collection method: clinical testing. Allele origin: germline. Inheritance: Autosomal dominant inheritance. Observed: 2 variant alleles, 2 heterozygotes.
Comment: This missense variant replaces arginine with tryptophan at codon 511 of the KCNQ1 protein. Computational prediction suggests that this variant may have deleterious impact on protein structure and function (internally defined REVEL score threshold >= 0.7, PMID: 27666373). To our knowledge, functional studies have not been reported for this variant. This variant has been reported in one individual suspected of having long QT syndrome (PMID: 19716085), in two individuals suspected of having cardiovascular, and in two individuals affected with other diseases (PMID: 31696929). This variant has not been identified in the general population by the Genome Aggregation Database (gnomAD). The available evidence is insufficient to determine the role of this variant in disease conclusively. Therefore, this variant is classified as a Variant of Uncertain Significance.

This study involves interpretation of variants in research participants for the purpose of population health screening. Participant phenotype was not available at the time of variant classification. Additional details can be found in publication PMID: 35346344, PMCID: PMC8962531

Labcorp Genetics (formerly Invitae), Labcorp
Classification: Uncertain significance for Long QT syndrome. Last evaluated: 2023-04-12. Review status: criteria provided, single submitter. Criteria: Invitae Variant Classification Sherloc (09022015). Collection method: clinical testing. Allele origin: germline.
Comment: Advanced modeling of protein sequence and biophysical properties (such as structural, functional, and spatial information, amino acid conservation, physicochemical variation, residue mobility, and thermodynamic stability) performed at Invitae indicates that this missense variant is expected to disrupt KCNQ1 protein function. In summary, the available evidence is currently insufficient to determine the role of this variant in disease. Therefore, it has been classified as a Variant of Uncertain Significance. ClinVar contains an entry for this variant (Variation ID: 67034). This missense change has been observed in individual(s) with clinical indication for long QT genetic testing (PMID: 19716085). This variant is present in population databases (rs199472785, gnomAD 0.003%). This sequence change replaces arginine, which is basic and polar, with tryptophan, which is neutral and slightly polar, at codon 511 of the KCNQ1 protein (p.Arg511Trp).

Color Diagnostics, LLC DBA Color Health
Classification: Uncertain significance for Cardiac arrhythmia. Last evaluated: 2022-11-09. Review status: criteria provided, single submitter. Criteria: ACMG Guidelines, 2015. Collection method: clinical testing. Allele origin: germline.
Comment: This missense variant replaces arginine with tryptophan at codon 511 of the KCNQ1 protein. Computational prediction suggests that this variant may have deleterious impact on protein structure and function (internally defined REVEL score threshold >= 0.7, PMID: 27666373). To our knowledge, functional studies have not been reported for this variant. This variant has been reported in one individual suspected of having long QT syndrome (PMID: 19716085), in two individuals suspected of having cardiovascular, and in two individuals affected with other diseases (PMID: 31696929). This variant has not been identified in the general population by the Genome Aggregation Database (gnomAD). The available evidence is insufficient to determine the role of this variant in disease conclusively. Therefore, this variant is classified as a Variant of Uncertain Significance.

Mayo Clinic Laboratories, Mayo Clinic
Classification: Uncertain significance. Last evaluated: 2020-10-22. Review status: criteria provided, single submitter. Criteria: ACMG Guidelines, 2015. Collection method: clinical testing. Allele origin: germline. Observed: 1 variant allele.

Cardiovascular Biomedical Research Unit, Royal Brompton & Harefield NHS Foundation Trust
No classification provided. Condition: Familial long QT syndrome. Review status: no classification provided. Collection method: literature only. Allele origin: germline. Not counted in ClinVar's aggregate classification.
Comment: This variant has been reported as associated with Long QT syndrome in the following publications (PMID:19716085). This is a literature report, and does not necessarily reflect the clinical interpretation of the Imperial College / Royal Brompton Cardiovascular Genetics laboratory.

Literature cited by the submitters: PubMed 19716085 (cited by 4 submitters); PubMed 31696929 (cited by All of Us Research Program, National Institutes of Health and Color Diagnostics, LLC DBA Color Health); PubMed 22581653 (cited by Cardiovascular Biomedical Research Unit, Royal Brompton & Harefield NHS Foundation Trust).

NM_000218.3(KCNQ1):c.1531C>T (p.Arg511Trp)

Gene: KCNQ1 (potassium voltage-gated channel subfamily Q member 1; plus strand). Cytogenetic location: 11p15.5.
Variant type: single nucleotide variant.
Coding change: c.1531C>T on transcript NM_000218.3 (MANE Select); coding-DNA position 1531, C replaced by T.
Protein change: p.Arg511Trp; replaces arginine 511 with tryptophan.
Molecular consequence: missense variant.
Genome position (GRCh38, 1-based): chr11:2,768,860, C>T. VCF-style: chr11-2768860-C-T. GRCh37 (hg19) VCF-style: chr11-2790090-C-T.
Other names: c.1531C>T (LRG_287t1); c.1435C>T, p.Arg479Trp (NM_001406836.1); c.1261C>T, p.Arg421Trp (NM_001406837.1); c.991C>T, p.Arg331Trp (NM_001406838.1); c.1150C>T, p.Arg384Trp (NM_181798.2); short protein forms R511W, R384W, R479W, R421W, R331W.
Identifiers: ClinVar variation 67034 (VCV000067034.18), dbSNP rs199472785, ClinGen allele CA005853.